The following is an entry in ClinVar:

NM_001148.6(ANK2):c.10669G>A (p.Asp3557Asn)

Gene: ANK2 (ankyrin 2; plus strand). Cytogenetic location: 4q26.
Variant type: single nucleotide variant.
Coding change: c.10669G>A on transcript NM_001148.6 (MANE Select); coding-DNA position 10669, G replaced by A.
Protein change: p.Asp3557Asn; replaces aspartic acid 3557 with asparagine.
Molecular consequence: missense variant. On other transcripts: intron variant (68).
Genome position (GRCh38, 1-based): chr4:113,359,287, G>A. VCF-style: chr4-113359287-G-A. GRCh37 (hg19) VCF-style: chr4-114280443-G-A.
Other names: c.10435G>A, p.Asp3479Asn (NM_001386142.1); c.7069G>A, p.Asp2357Asn (NM_001386166.1); c.10810G>A, p.Asp3604Asn (NM_001386174.1); c.10786G>A, p.Asp3596Asn (NM_001386175.1); c.4412-1536G>A (NM_001386186.2, NM_001386148.2); c.4214-1536G>A (NM_001354269.3); c.4292-1536G>A (NM_001386187.2); c.4253-1536G>A (NM_001386147.1); and 35 more; short protein forms D2357N, D3604N, D3479N, D3557N, D3596N.
Identifiers: ClinVar variation 2916466 (VCV002916466.3), dbSNP rs2506067150, ClinGen allele CA357940936.

ClinVar aggregate classification (germline): Uncertain significance (1 of 4 stars; one submission).

Conditions:
Long QT syndrome (LQTS). Identifiers: MedGen C0023976, MeSH D008133, MONDO:0002442. Disease mechanism: loss of function. Inheritance: Various modes of inheritance.

Allele frequency attached by ClinVar (database versions not stated): gnomAD exomes below 0.00001.
gnomAD v4.1: 2 of 1,613,788 alleles (0.00012%); highest among the groups gnomAD compares: Non-Finnish European, 0.000085%; no homozygotes.

Submission:

Labcorp Genetics (formerly Invitae), Labcorp
Classification: Uncertain significance for Long QT syndrome. Last evaluated: 2023-10-06. Review status: criteria provided, single submitter. Criteria: Invitae Variant Classification Sherloc (09022015). Collection method: clinical testing. Allele origin: germline.
Comment: This sequence change replaces aspartic acid, which is acidic and polar, with asparagine, which is neutral and polar, at codon 3557 of the ANK2 protein (p.Asp3557Asn). This variant is not present in population databases (gnomAD no frequency). This variant has not been reported in the literature in individuals affected with ANK2-related conditions. An algorithm developed to predict the effect of missense changes on protein structure and function (PolyPhen-2) suggests that this variant is likely to be disruptive. In summary, the available evidence is currently insufficient to determine the role of this variant in disease. Therefore, it has been classified as a Variant of Uncertain Significance.